The following continues an entry in ClinVar:

NM_004260.4(RECQL4):c.212A>G (p.Glu71Gly)

Gene: RECQL4. ClinVar aggregate classification (germline): Benign/Likely benign. Benign (10); Likely benign (1).

Submissions 31 to 47 of 47:

Dr. Peter K. Rogan Lab, Western University
No classification provided (evidence only). Condition: Hepatocellular carcinoma. Review status: no classification provided. Collection method: in vitro. Allele origin: not applicable. Functional consequence: retained intron. Not counted in ClinVar's aggregate classification.

Dr. Peter K. Rogan Lab, Western University
No classification provided (evidence only). Condition: Ovarian serous cystadenocarcinoma. Review status: no classification provided. Collection method: in vitro. Allele origin: not applicable. Functional consequence: retained intron. Not counted in ClinVar's aggregate classification.

Dr. Peter K. Rogan Lab, Western University
No classification provided (evidence only). Condition: Ovarian serous cystadenocarcinoma. Review status: no classification provided. Collection method: in vitro. Allele origin: not applicable. Functional consequence: retained intron. Not counted in ClinVar's aggregate classification.

Dr. Peter K. Rogan Lab, Western University
No classification provided (evidence only). Condition: Ovarian serous cystadenocarcinoma. Review status: no classification provided. Collection method: in vitro. Allele origin: not applicable. Functional consequence: retained intron. Not counted in ClinVar's aggregate classification.

Dr. Peter K. Rogan Lab, Western University
No classification provided (evidence only). Condition: Ovarian serous cystadenocarcinoma. Review status: no classification provided. Collection method: in vitro. Allele origin: not applicable. Functional consequence: retained intron. Not counted in ClinVar's aggregate classification.

Dr. Peter K. Rogan Lab, Western University
No classification provided (evidence only). Condition: Ovarian serous cystadenocarcinoma. Review status: no classification provided. Collection method: in vitro. Allele origin: not applicable. Functional consequence: retained intron. Not counted in ClinVar's aggregate classification.

Dr. Peter K. Rogan Lab, Western University
No classification provided (evidence only). Condition: Ovarian serous cystadenocarcinoma. Review status: no classification provided. Collection method: in vitro. Allele origin: not applicable. Functional consequence: retained intron. Not counted in ClinVar's aggregate classification.

Dr. Peter K. Rogan Lab, Western University
No classification provided (evidence only). Condition: Ovarian serous cystadenocarcinoma. Review status: no classification provided. Collection method: in vitro. Allele origin: not applicable. Functional consequence: retained intron. Not counted in ClinVar's aggregate classification.

Dr. Peter K. Rogan Lab, Western University
No classification provided (evidence only). Condition: Ovarian serous cystadenocarcinoma. Review status: no classification provided. Collection method: in vitro. Allele origin: not applicable. Functional consequence: retained intron. Not counted in ClinVar's aggregate classification.

Dr. Peter K. Rogan Lab, Western University
No classification provided (evidence only). Condition: Uterine carcinosarcoma. Review status: no classification provided. Collection method: in vitro. Allele origin: not applicable. Functional consequence: retained intron. Not counted in ClinVar's aggregate classification.

Dr. Peter K. Rogan Lab, Western University
No classification provided (evidence only). Condition: Malignant tumor of esophagus. Review status: no classification provided. Collection method: in vitro. Allele origin: not applicable. Functional consequence: retained intron. Not counted in ClinVar's aggregate classification.

Dr. Peter K. Rogan Lab, Western University
No classification provided (evidence only). Condition: Malignant tumor of esophagus. Review status: no classification provided. Collection method: in vitro. Allele origin: not applicable. Functional consequence: skipped exon, retained intron. Not counted in ClinVar's aggregate classification.

Dr. Peter K. Rogan Lab, Western University
No classification provided (evidence only). Condition: Nonpapillary renal cell carcinoma. Review status: no classification provided. Collection method: in vitro. Allele origin: not applicable. Functional consequence: retained intron. Not counted in ClinVar's aggregate classification.

Dr. Peter K. Rogan Lab, Western University
No classification provided (evidence only). Condition: Familial pancreatic carcinoma. Review status: no classification provided. Collection method: in vitro. Allele origin: not applicable. Functional consequence: skipped exon, retained intron. Not counted in ClinVar's aggregate classification.

Dr. Peter K. Rogan Lab, Western University
No classification provided (evidence only). Condition: Familial pancreatic carcinoma. Review status: no classification provided. Collection method: in vitro. Allele origin: not applicable. Functional consequence: retained intron. Not counted in ClinVar's aggregate classification.

Genome Diagnostics Laboratory, Amsterdam University Medical Center
Classification: Benign. Review status: no assertion criteria provided. Collection method: clinical testing. Allele origin: germline. Affected: yes. Study: VKGL Data-share Consensus. Not counted in ClinVar's aggregate classification.

Laboratory of Diagnostic Genome Analysis, Leiden University Medical Center (LUMC)
Classification: Likely benign. Review status: no assertion criteria provided. Collection method: clinical testing. Allele origin: germline. Affected: yes. Study: VKGL Data-share Consensus. Not counted in ClinVar's aggregate classification.

Literature cited by the submitters: PubMed 24728327 (cited by ITMI).